The following is an entry in ClinVar:

ClinVar aggregate classification (germline): Benign. Review status: criteria provided, multiple submitters, no conflicts (2 of 4 stars). 3 submissions from 3 submitters: Benign (2). 1 of the submissions does not count toward it. Last evaluated 2025-08-04.

Conditions:
CPAMD8-related disorder. Also called: CPAMD8-related condition.

Allele frequency attached by ClinVar (database versions not stated): TOPMed 0.00144; gnomAD 0.00152 and 0.00174; ESP Exome Variant Server 0.00191; 1000 Genomes Project 30x 0.00234; 1000 Genomes Project 0.00240; gnomAD exomes 0.00271; ExAC 0.00296.
gnomAD v4.1: 2,814 of 1,613,954 alleles (0.17%); highest among the groups gnomAD compares: South Asian, 1.4%; 31 homozygotes.

Submissions (3):

Labcorp Genetics (formerly Invitae), Labcorp
Classification: Benign. Last evaluated: 2025-08-04. Review status: criteria provided, single submitter. Criteria: Invitae Variant Classification Sherloc (09022015). Collection method: clinical testing. Allele origin: germline.

Breakthrough Genomics
Classification: Benign. Review status: criteria provided, single submitter. Criteria: ACMG Guidelines, 2015. Collection method: not provided. Allele origin: germline. Inheritance: Autosomal recessive inheritance. Affected: yes.

PreventionGenetics, part of Exact Sciences
Classification: Benign for CPAMD8-related condition. Last evaluated: 2019-07-02. Review status: no assertion criteria provided. Collection method: clinical testing. Allele origin: germline. Not counted in ClinVar's aggregate classification.
Comment: This variant is classified as benign based on ACMG/AMP sequence variant interpretation guidelines (Richards et al. 2015 PMID: 25741868, with internal and published modifications).

NM_015692.5(CPAMD8):c.2244C>T (p.Pro748=)

Gene: CPAMD8 (C3 and PZP like alpha-2-macroglobulin domain containing 8; minus strand). Cytogenetic location: 19p13.11.
Variant type: single nucleotide variant.
Coding change: c.2244C>T on transcript NM_015692.5 (MANE Select); coding-DNA position 2244, C replaced by T.
Protein change: p.Pro748=; no amino-acid change (proline 748 retained).
Molecular consequence: synonymous variant.
Genome position (GRCh38, 1-based): chr19:16,957,885, G>A on the plus strand (C>T on the coding strand, the complement: CPAMD8 is on the minus strand). VCF-style: chr19-16957885-G-A. GRCh37 (hg19) VCF-style: chr19-17068695-G-A.
Identifiers: ClinVar variation 712245 (VCV000712245.11), dbSNP rs200427435, ClinGen allele CA9285368.